The following is an entry in ClinVar:

NM_021620.4(PRDM13):c.512T>C (p.Leu171Pro)

Gene: PRDM13 (PR/SET domain 13; plus strand). Cytogenetic location: 6q16.2.
Variant type: single nucleotide variant.
Coding change: c.512T>C on transcript NM_021620.4 (MANE Select); coding-DNA position 512, T replaced by C.
Protein change: p.Leu171Pro; replaces leucine 171 with proline.
Molecular consequence: missense variant.
Genome position (GRCh38, 1-based): chr6:99,613,147, T>C. VCF-style: chr6-99613147-T-C. GRCh37 (hg19) VCF-style: chr6-100061023-T-C.
Other names: short protein forms L171P.
Identifiers: ClinVar variation 1345323 (VCV001345323.6), dbSNP rs747626960, ClinGen allele CA3936225.

ClinVar aggregate classification (germline): Uncertain significance (1 of 4 stars; one submission).

Allele frequency attached by ClinVar (database versions not stated): gnomAD 0.00001.

Submission:

Labcorp Genetics (formerly Invitae), Labcorp
Classification: Uncertain significance. Last evaluated: 2021-08-11. Review status: criteria provided, single submitter. Criteria: Invitae Variant Classification Sherloc (09022015). Collection method: clinical testing. Allele origin: germline.
Comment: Algorithms developed to predict the effect of missense changes on protein structure and function (SIFT, PolyPhen-2, Align-GVGD) all suggest that this variant is likely to be disruptive. This variant has not been reported in the literature in individuals affected with PRDM13-related conditions. This variant is present in population databases (rs747626960, ExAC 0.01%). This sequence change replaces leucine with proline at codon 171 of the PRDM13 protein (p.Leu171Pro). The leucine residue is highly conserved and there is a moderate physicochemical difference between leucine and proline. In summary, the available evidence is currently insufficient to determine the role of this variant in disease. Therefore, it has been classified as a Variant of Uncertain Significance.